The following is an entry in ClinVar:

ClinVar aggregate classification (germline): Likely pathogenic (1 of 4 stars; one submission).

Conditions:
Becker muscular dystrophy, Cardiomyopathy, Duchenne muscular dystrophy, Dystrophin deficiency.

Submission:

Natera, Inc.
Classification: Likely pathogenic for Becker muscular dystrophy, Cardiomyopathy, Duchenne muscular dystrophy, Dystrophin deficiency. Last evaluated: 2025-09-09. Review status: criteria provided, single submitter. Criteria: Natera Variant Classification Schema (03/2026). Collection method: clinical testing. Allele origin: germline.
Comment: The c.9807dup variant in DMD is a frameshift variant predicted to shift the reading frame beginning at codon 3270 and leads to a stop codon 2 codons downstream. This variant is expected to result in nonsense mediated decay, truncation, or a dysfunctional protein product. This variant is rare in the general population with a frequency below the threshold expected for the associated phenotype(s). Given the available evidence, this variant is classified as Likely Pathogenic.

NM_004006.3(DMD):c.9807dup (p.Ala3270fs)

Gene: DMD (dystrophin; minus strand). Cytogenetic location: Xp21.2.
Variant type: Duplication.
Coding change: c.9807dup on transcript NM_004006.3 (MANE Select); coding-DNA position 9807, one base duplicated (T; older notation c.9807dupT).
Protein change: p.Ala3270fs; shifts the reading frame from alanine 3270.
Molecular consequence: frameshift variant.
Genome position (GRCh38, 1-based): chrX:31,203,961, A duplicated on the plus strand (T on the coding strand, the reverse complement: DMD is on the minus strand); the first of 3 consecutive A bases (chrX:31,203,961-31,203,963); duplicating any one gives the same sequence. VCF-style (leftmost placement, unchanged base first): chrX-31203960-C-CA. GRCh37 (hg19) VCF-style: chrX-31222077-C-CA.
Other names: c.9807dup (NM_004006.2); c.9783dup, p.Ala3262fs (NM_000109.4); c.9795dup, p.Ala3266fs (NM_004009.3); c.9438dup, p.Ala3147fs (NM_004010.3); c.5784dup, p.Ala1929fs (NM_004011.4); c.5775dup, p.Ala1926fs (NM_004012.4); c.2427dup, p.Ala810fs (NM_004013.3, NM_004020.4, NM_004021.3 and 2 more transcripts); c.1620dup, p.Ala541fs (NM_004014.3); and 1 more; short protein forms A1926fs, A1929fs, A202fs, A3147fs, A3262fs, A3266fs, A3270fs, A541fs.
Identifiers: ClinVar variation 4815324 (VCV004815324.1).